The following is an entry in ClinVar:

ClinVar aggregate classification (germline): Uncertain significance (1 of 4 stars; one submission).

Conditions:
Spondylodysplastic Ehlers-Danlos syndrome. Identifiers: Orphanet 536471, Orphanet 75496, MedGen C5680154, MONDO:0007526.

Submission:

Labcorp Genetics (formerly Invitae), Labcorp
Classification: Uncertain significance for Spondylodysplastic Ehlers-Danlos syndrome. Last evaluated: 2026-01-18. Review status: criteria provided, single submitter. Criteria: Invitae Variant Classification Sherloc (09022015). Collection method: clinical testing. Allele origin: germline.
Comment: This sequence change replaces alanine, which is neutral and non-polar, with lysine, which is basic and polar, at codon 96 of the B4GALT7 protein (p.Ala96Lys). Information on the frequency of this variant in the gnomAD database is not available, as this variant may be reported differently in the database. This variant has not been reported in the literature in individuals affected with B4GALT7-related conditions. An algorithm developed to predict the effect of missense changes on protein structure and function (PolyPhen-2) suggests that this variant is likely to be disruptive. In summary, the available evidence is currently insufficient to determine the role of this variant in disease. Therefore, it has been classified as a Variant of Uncertain Significance.

NM_007255.3(B4GALT7):c.286_287delinsAA (p.Ala96Lys)

Gene: B4GALT7 (beta-1,4-galactosyltransferase 7; plus strand). Cytogenetic location: 5q35.3.
Variant type: Indel.
Coding change: c.286_287delinsAA on transcript NM_007255.3 (MANE Select); coding-DNA positions 286 to 287, GC replaced by AA.
Protein change: p.Ala96Lys; replaces alanine 96 with lysine.
Molecular consequence: missense variant.
Genome position (GRCh38, 1-based): chr5:177,604,414-177,604,415, GC replaced by AA. VCF-style: chr5-177604414-GC-AA. GRCh37 (hg19) VCF-style: chr5-177031415-GC-AA.
Other names: short protein forms A96K.
Identifiers: ClinVar variation 4759186 (VCV004759186.1).